The following is an entry in ClinVar:

ClinVar aggregate classification (germline): Uncertain significance (1 of 4 stars; one submission).

Submission:

Ambry Genetics
Classification: Uncertain significance. Last evaluated: 2022-04-21. Review status: criteria provided, single submitter. Criteria: Ambry Variant Classification Scheme 2023. Collection method: clinical testing. Allele origin: germline.
Comment: The p.T317I variant (also known as c.950C>T), located in coding exon 9 of the RAD54L gene, results from a C to T substitution at nucleotide position 950. The threonine at codon 317 is replaced by isoleucine, an amino acid with similar properties. This amino acid position is conserved. In addition, the in silico prediction for this alteration is inconclusive. Since supporting evidence is limited at this time, the clinical significance of this alteration remains unclear.

NM_003579.4(RAD54L):c.950C>T (p.Thr317Ile)

Gene: RAD54L (RAD54 like; plus strand). Cytogenetic location: 1p34.1.
Variant type: single nucleotide variant.
Coding change: c.950C>T on transcript NM_003579.4 (MANE Select); coding-DNA position 950, C replaced by T.
Protein change: p.Thr317Ile; replaces threonine 317 with isoleucine.
Molecular consequence: missense variant.
Genome position (GRCh38, 1-based): chr1:46,267,517, C>T. VCF-style: chr1-46267517-C-T. GRCh37 (hg19) VCF-style: chr1-46733189-C-T.
Other names: c.950C>T, p.Thr317Ile (NM_001142548.2); c.410C>T, p.Thr137Ile (NM_001370766.1); short protein forms T137I, T317I.
Identifiers: ClinVar variation 1767211 (VCV001767211.2), dbSNP rs2525690616, ClinGen allele CA340192303.